The following is an entry in ClinVar:

NM_003718.5(CDK13):c.529A>G (p.Ser177Gly)

Gene: CDK13 (cyclin dependent kinase 13; plus strand). Cytogenetic location: 7p14.1.
Variant type: single nucleotide variant.
Coding change: c.529A>G on transcript NM_003718.5 (MANE Select); coding-DNA position 529, A replaced by G.
Protein change: p.Ser177Gly; replaces serine 177 with glycine.
Molecular consequence: missense variant.
Genome position (GRCh38, 1-based): chr7:39,951,170, A>G. VCF-style: chr7-39951170-A-G. GRCh37 (hg19) VCF-style: chr7-39990769-A-G.
Other names: c.529A>G, p.Ser177Gly (NM_031267.4); short protein forms S177G.
Identifiers: ClinVar variation 3678619 (VCV003678619.2).

ClinVar aggregate classification (germline): Uncertain significance (1 of 4 stars; one submission).

gnomAD v4.1: 12 of 1,243,124 alleles (0.00097%); highest among the groups gnomAD compares: East Asian, 0.032%; no homozygotes.

Submission:

Labcorp Genetics (formerly Invitae), Labcorp
Classification: Uncertain significance. Last evaluated: 2024-11-03. Review status: criteria provided, single submitter. Criteria: Invitae Variant Classification Sherloc (09022015). Collection method: clinical testing. Allele origin: germline.
Comment: This sequence change replaces serine, which is neutral and polar, with glycine, which is neutral and non-polar, at codon 177 of the CDK13 protein (p.Ser177Gly). This variant is not present in population databases (gnomAD no frequency). This variant has not been reported in the literature in individuals affected with CDK13-related conditions. Invitae Evidence Modeling of protein sequence and biophysical properties (such as structural, functional, and spatial information, amino acid conservation, physicochemical variation, residue mobility, and thermodynamic stability) indicates that this missense variant is not expected to disrupt CDK13 protein function with a negative predictive value of 95%. In summary, the available evidence is currently insufficient to determine the role of this variant in disease. Therefore, it has been classified as a Variant of Uncertain Significance.